The following is an entry in ClinVar:

NM_000268.4(NF2):c.114+1G>A

Gene: NF2 (NF2, moesin-ezrin-radixin like (MERLIN) tumor suppressor; plus strand). Cytogenetic location: 22q12.2.
Variant type: single nucleotide variant.
Coding change: c.114+1G>A on transcript NM_000268.4 (MANE Select); the canonical splice donor site of the intron after coding-DNA position 114, G replaced by A.
Molecular consequence: splice donor variant.
Genome position (GRCh38, 1-based): chr22:29,604,113, G>A. VCF-style: chr22-29604113-G-A. GRCh37 (hg19) VCF-style: chr22-30000102-G-A.
Other names: c.114+1G>A (NM_016418.5, NM_181832.3, NM_001407060.1 and 15 more transcripts); c.-117+1G>A (NM_001407056.1, NM_001407053.1); c.-143+1G>A (NM_001407067.1); c.-527+1G>A (NM_001407065.1).
Identifiers: ClinVar variation 1068058 (VCV001068058.9), dbSNP rs2146661259, ClinGen allele CA411146341.

ClinVar aggregate classification (germline): Likely pathogenic (1 of 4 stars; one submission).

Conditions:
Neurofibromatosis, type 2 (SWNV). Also called: BILATERAL ACOUSTIC NEUROFIBROMATOSIS; NF2-Related Schwannomatosis; SCHWANNOMATOSIS, VESTIBULAR. Identifiers: Orphanet 637, MedGen C0027832, MONDO:0007039, OMIM 101000. Disease mechanism: loss of function.

Allele frequency attached by ClinVar (database versions not stated): gnomAD exomes below 0.00001.
gnomAD v4.1: 1 of 1,597,568 alleles (0.000063%); highest among the groups gnomAD compares: Admixed American, 0.0017%; no homozygotes.

Submission:

Labcorp Genetics (formerly Invitae), Labcorp
Classification: Likely pathogenic for Neurofibromatosis, type 2. Last evaluated: 2020-09-13. Review status: criteria provided, single submitter. Criteria: Invitae Variant Classification Sherloc (09022015). Collection method: clinical testing. Allele origin: germline.
Comment: This sequence change affects a donor splice site in intron 1 of the NF2 gene. It is expected to disrupt RNA splicing and likely results in an absent or disrupted protein product. This variant is not present in population databases (ExAC no frequency). This variant has been observed in individual(s) with clinical features of neurofibromatosis type 2 (PMID: 18033041, Invitae). Algorithms developed to predict the effect of sequence changes on RNA splicing suggest that this variant may disrupt the consensus splice site, but this prediction has not been confirmed by published transcriptional studies. Donor and acceptor splice site variants typically lead to a loss of protein function (PMID: 16199547), and loss-of-function variants in NF2 are known to be pathogenic (PMID: 9643284, 16983642). In summary, the currently available evidence indicates that the variant is pathogenic, but additional data are needed to prove that conclusively. Therefore, this variant has been classified as Likely Pathogenic.

Literature cited by the submitters: PubMed 18033041; PubMed 16199547; PubMed 9643284; PubMed 16983642.